The following is an entry in ClinVar:

ClinVar aggregate classification (germline): Pathogenic (1 of 4 stars; one submission).

Conditions:
BBS2-related ciliopathy. Identifiers: MedGen CN378634, MONDO:1040048.

Submission:

Myriad Genetics, Inc.
Classification: Pathogenic for BBS2-related ciliopathy. Last evaluated: 2025-05-12. Review status: criteria provided, single submitter. Criteria: Myriad Autosomal Dominant, Autosomal Recessive and X-Linked Classification Criteria (2023). Collection method: clinical testing. Allele origin: unknown.
Comment: NM_031885.3(BBS2):c.1720_1721delTTinsC(F574Lfs*9) is expected to be pathogenic in the context of Bardet-Biedl syndrome, BBS2-related. This variant is predicted to lead to an abnormal or absent protein product due to the creation of a premature termination codon in BBS2, a gene where loss-of-function variants are known to be pathogenic. Please note: this variant was assessed in the context of healthy population screening.

NM_031885.5(BBS2):c.1720_1721delinsC (p.Phe574fs)

Gene: BBS2 (Bardet-Biedl syndrome 2; minus strand). Cytogenetic location: 16q13.
Variant type: Indel.
Coding change: c.1720_1721delinsC on transcript NM_031885.5 (MANE Select); coding-DNA positions 1720 to 1721, TT replaced by C.
Protein change: p.Phe574fs; shifts the reading frame from phenylalanine 574.
Molecular consequence: frameshift variant. On other transcripts: non-coding transcript variant (5).
Genome position (GRCh38, 1-based): chr16:56,497,819-56,497,820, AA replaced by G on the plus strand (TT replaced by C on the coding strand, the reverse complement: BBS2 is on the minus strand). VCF-style: chr16-56497819-AA-G. GRCh37 (hg19) VCF-style: chr16-56531731-AA-G.
Other names: c.1720_1721delinsC, p.Phe574fs (NM_001377456.1); short protein forms F574fs.
Identifiers: ClinVar variation 5014429 (VCV005014429.1).